The following is an entry in ClinVar:

ClinVar aggregate classification (germline): Likely pathogenic (1 of 4 stars; one submission).

Conditions:
Usher syndrome type 2C. Also called: Usher syndrome, type 2B; USHER SYNDROME, TYPE IIC. Identifiers: Orphanet 231178, Orphanet 886, MedGen C2931213, MONDO:0011558, OMIM 605472.

Submission:

Institute of Rare Diseases, West China Hospital, Sichuan University
Classification: Likely pathogenic for Usher syndrome type 2C. Last evaluated: 2025-01-09. Review status: criteria provided, single submitter. Criteria: ClinGen HL ACMG Specifications v1. Collection method: research. Allele origin: germline. Affected: yes.
Comment: PM3_Strong;PM2_Supporting;PP3

NM_032119.4(ADGRV1):c.16336T>C (p.Cys5446Arg)

Gene: ADGRV1 (adhesion G protein-coupled receptor V1; plus strand). Cytogenetic location: 5q14.3.
Variant type: single nucleotide variant.
Coding change: c.16336T>C on transcript NM_032119.4 (MANE Select); coding-DNA position 16336, T replaced by C.
Protein change: p.Cys5446Arg; replaces cysteine 5446 with arginine.
Molecular consequence: missense variant. On other transcripts: non-coding transcript variant (1).
Genome position (GRCh38, 1-based): chr5:90,823,564, T>C. VCF-style: chr5-90823564-T-C. GRCh37 (hg19) VCF-style: chr5-90119381-T-C.
Other names: short protein forms C5446R.
Identifiers: ClinVar variation 3601442 (VCV003601442.1).